The following is an entry in ClinVar:

ClinVar aggregate classification (germline): Uncertain significance. Review status: criteria provided, multiple submitters, no conflicts (2 of 4 stars). 4 submissions from 4 submitters: Uncertain significance (4). Last evaluated 2026-06-03.

Conditions:
Mitochondrial DNA depletion syndrome 14B (cardioencephalomyopathic type). Also called: Mitochondrial DNA depletion syndrome 14 (cardioencephalomyopathic type); Mitochondrial DNA depletion syndrome 14 (encephalocardiomyopathic type). Identifiers: MedGen C6065890, MONDO:0014820, OMIM 616896.
Abortive cerebellar ataxia (BEHRS). Also called: OPTIC ATROPHY, INFANTILE HEREDITARY, WITH NEUROLOGIC ABNORMALITIES; Behr syndrome. Identifiers: Orphanet 1239, MedGen C0221061, MONDO:0008858, OMIM 210000.
Autosomal dominant optic atrophy classic form (OPA1). Also called: OPTIC ATROPHY, JUVENILE; KJER-TYPE OPTIC ATROPHY; Optic Atrophy Type 1. Identifiers: Orphanet 98673, MedGen C0338508, MONDO:0008134, OMIM 165500.
Glaucoma, normal tension, susceptibility to (NTG). Also called: GLAUCOMA, NORMAL PRESSURE, SUSCEPTIBILITY TO. Identifiers: MedGen C1847730, MONDO:0011693, OMIM 606657.
Optic atrophy with or without deafness, ophthalmoplegia, myopathy, ataxia, and neuropathy. Also called: OPTIC ATROPHY PLUS SYNDROME. Identifiers: MedGen C3276549, MONDO:0007429, OMIM 125250.
Inborn genetic diseases. Identifiers: MedGen C0950123, MeSH D030342.

Allele frequency attached by ClinVar (database versions not stated): ExAC 0.00002; gnomAD exomes 0.00004 and 0.00002; TOPMed 0.00001; gnomAD 0.00001.
gnomAD v4.1: 33 of 1,610,924 alleles (0.002%); highest among the groups gnomAD compares: Admixed American, 0.013%; no homozygotes.

Submissions (4):

Ambry Genetics
Classification: Uncertain significance for Inborn genetic diseases. Last evaluated: 2026-06-03. Review status: criteria provided, single submitter. Criteria: Ambry Variant Classification Scheme 2023. Collection method: clinical testing. Allele origin: germline.

Labcorp Genetics (formerly Invitae), Labcorp
Classification: Uncertain significance. Last evaluated: 2025-10-20. Review status: criteria provided, single submitter. Criteria: Invitae Variant Classification Sherloc (09022015). Collection method: clinical testing. Allele origin: germline.
Comment: This sequence change replaces arginine, which is basic and polar, with histidine, which is basic and polar, at codon 755 of the OPA1 protein (p.Arg755His). This variant is present in population databases (rs762258708, gnomAD 0.02%). This variant has not been reported in the literature in individuals affected with OPA1-related conditions. ClinVar contains an entry for this variant (Variation ID: 432381). Invitae Evidence Modeling of protein sequence and biophysical properties (such as structural, functional, and spatial information, amino acid conservation, physicochemical variation, residue mobility, and thermodynamic stability) indicates that this missense variant is not expected to disrupt OPA1 protein function with a negative predictive value of 80%. In summary, the available evidence is currently insufficient to determine the role of this variant in disease. Therefore, it has been classified as a Variant of Uncertain Significance.

GeneDx
Classification: Uncertain significance. Last evaluated: 2024-10-04. Review status: criteria provided, single submitter. Criteria: GeneDx Variant Classification Process June 2021. Collection method: clinical testing. Allele origin: germline. Affected: yes.
Comment: Reported as a variant identified in the ExAC database in published literature (PMID: 26867657); In silico analysis supports that this missense variant has a deleterious effect on protein structure/function; This variant is associated with the following publications: (PMID: 26867657)

Fulgent Genetics
Classification: Uncertain significance for Optic atrophy with or without deafness, ophthalmoplegia, myopathy, ataxia, and neuropathy; Autosomal dominant optic atrophy classic form; Abortive cerebellar ataxia; Glaucoma, normal tension, susceptibility to; Mitochondrial DNA depletion syndrome 14B (cardioencephalomyopathic type). Last evaluated: 2022-01-10. Review status: criteria provided, single submitter. Criteria: ACMG Guidelines, 2015. Collection method: clinical testing. Allele origin: unknown.

NM_130837.3(OPA1):c.2429G>A (p.Arg810His)

Gene: OPA1 (OPA1 mitochondrial dynamin like GTPase; plus strand). Cytogenetic location: 3q29.
Variant type: single nucleotide variant.
Coding change: c.2429G>A on transcript NM_130837.3 (MANE Select); coding-DNA position 2429, G replaced by A.
Protein change: p.Arg810His; replaces arginine 810 with histidine.
Molecular consequence: missense variant.
Genome position (GRCh38, 1-based): chr3:193,658,984, G>A. VCF-style: chr3-193658984-G-A. GRCh37 (hg19) VCF-style: chr3-193376773-G-A.
Other names: c.2156G>A, p.Arg719His (NM_130831.3); c.2210G>A, p.Arg737His (NM_130832.3); c.2267G>A, p.Arg756His (NM_130833.3); c.2318G>A, p.Arg773His (NM_130834.3); c.2321G>A, p.Arg774His (NM_130835.3); c.2375G>A, p.Arg792His (NM_130836.3); c.1895G>A, p.Arg632His (NM_001354663.2); c.1892G>A, p.Arg631His (NM_001354664.2); and 1 more; short protein forms R755H, R810H, R631H, R632H, R719H, R774H, R756H, R792H.
Identifiers: ClinVar variation 432381 (VCV000432381.14), dbSNP rs762258708, ClinGen allele CA2759643.